The following is an entry in ClinVar:

ClinVar aggregate classification (germline): Uncertain significance (1 of 4 stars; one submission).

Conditions:
Cardiovascular phenotype. Identifiers: MedGen CN230736.

gnomAD v4.1: 1 of 1,614,212 alleles (0.000062%); highest among the groups gnomAD compares: Non-Finnish European, 0.000085%; no homozygotes.

Submission:

Ambry Genetics
Classification: Uncertain significance for Cardiovascular phenotype. Last evaluated: 2022-03-04. Review status: criteria provided, single submitter. Criteria: Ambry Variant Classification Scheme 2023. Collection method: clinical testing. Allele origin: germline.
Comment: The p.L357F variant (also known as c.1069C>T), located in coding exon 2 of the HCN4 gene, results from a C to T substitution at nucleotide position 1069. The leucine at codon 357 is replaced by phenylalanine, an amino acid with highly similar properties. This amino acid position is conserved. In addition, the in silico prediction for this alteration is inconclusive. Since supporting evidence is limited at this time, the clinical significance of this alteration remains unclear.

NM_005477.3(HCN4):c.1069C>T (p.Leu357Phe)

Genes: HCN4 (hyperpolarization activated cyclic nucleotide gated potassium channel 4; minus strand), LOC105370890 (uncharacterized LOC105370890; plus strand), LOC126862173 (CDK7 strongly-dependent group 2 enhancer GRCh37_chr15:73635762-73636961; plus strand). Cytogenetic location: 15q24.1.
Variant type: single nucleotide variant.
Coding change: c.1069C>T on transcript NM_005477.3 (MANE Select); coding-DNA position 1069, C replaced by T.
Protein change: p.Leu357Phe; replaces leucine 357 with phenylalanine.
Molecular consequence: missense variant.
Genome position (GRCh38, 1-based): chr15:73,343,525, G>A on the plus strand (C>T on the coding strand, the complement: HCN4 is on the minus strand). VCF-style: chr15-73343525-G-A. GRCh37 (hg19) VCF-style: chr15-73635866-G-A.
Other names: short protein forms L357F.
Identifiers: ClinVar variation 1782741 (VCV001782741.2), dbSNP rs761690270, ClinGen allele CA393094914.